The following is an entry in ClinVar:

ClinVar aggregate classification (germline): Uncertain significance (1 of 4 stars; one submission).

Submission:

Labcorp Genetics (formerly Invitae), Labcorp
Classification: Uncertain significance. Last evaluated: 2024-06-28. Review status: criteria provided, single submitter. Criteria: Invitae Variant Classification Sherloc (09022015). Collection method: clinical testing. Allele origin: germline.
Comment: This sequence change replaces arginine, which is basic and polar, with lysine, which is basic and polar, at codon 365 of the SNIP1 protein (p.Arg365Lys). This variant is not present in population databases (gnomAD no frequency). This variant has not been reported in the literature in individuals affected with SNIP1-related conditions. Advanced modeling of protein sequence and biophysical properties (such as structural, functional, and spatial information, amino acid conservation, physicochemical variation, residue mobility, and thermodynamic stability) performed at Invitae indicates that this missense variant is expected to disrupt SNIP1 protein function with a positive predictive value of 80%. In summary, the available evidence is currently insufficient to determine the role of this variant in disease. Therefore, it has been classified as a Variant of Uncertain Significance.

NM_024700.4(SNIP1):c.1094G>A (p.Arg365Lys)

Gene: SNIP1 (Smad nuclear interacting protein 1; minus strand). Cytogenetic location: 1p34.3.
Variant type: single nucleotide variant.
Coding change: c.1094G>A on transcript NM_024700.4 (MANE Select); coding-DNA position 1094, G replaced by A.
Protein change: p.Arg365Lys; replaces arginine 365 with lysine.
Molecular consequence: missense variant.
Genome position (GRCh38, 1-based): chr1:37,537,845, C>T on the plus strand (G>A on the coding strand, the complement: SNIP1 is on the minus strand). VCF-style: chr1-37537845-C-T. GRCh37 (hg19) VCF-style: chr1-38003446-C-T.
Other names: short protein forms R365K.
Identifiers: ClinVar variation 3658109 (VCV003658109.2).